The following is an entry in ClinVar:

NM_005026.5(PIK3CD):c.1367C>T (p.Thr456Met)

Genes: PIK3CD (phosphatidylinositol-4,5-bisphosphate 3-kinase catalytic subunit delta; plus strand), LOC126805612 (MED14-independent group 3 enhancer GRCh37_chr1:9778914-9780113; plus strand). Cytogenetic location: 1p36.22.
Variant type: single nucleotide variant.
Coding change: c.1367C>T on transcript NM_005026.5 (MANE Select); coding-DNA position 1367, C replaced by T.
Protein change: p.Thr456Met; replaces threonine 456 with methionine.
Molecular consequence: missense variant.
Genome position (GRCh38, 1-based): chr1:9,720,139, C>T. VCF-style: chr1-9720139-C-T. GRCh37 (hg19) VCF-style: chr1-9780197-C-T.
Other names: c.1367C>T, p.Thr456Met (NM_001350234.2); c.1280C>T, p.Thr427Met (NM_001350235.1); short protein forms T427M, T456M.
Identifiers: ClinVar variation 2143993 (VCV002143993.4), dbSNP rs751570218, ClinGen allele CA577180.

ClinVar aggregate classification (germline): Uncertain significance (1 of 4 stars; one submission).

Conditions:
Immunodeficiency 14 (IMD14A). Also called: IMMUNODEFICIENCY 14A WITH LYMPHOPROLIFERATION, AUTOSOMAL DOMINANT; Activated PI3K Delta Syndrome Type 1 (APDS1); p110-DELTA-ACTIVATING MUTATION CAUSING SENESCENT T CELLS, LYMPHADENOPATHY, AND IMMUNODEFICIENCY; ACTIVATED PI3K-DELTA SYNDROME 1. Identifiers: Orphanet 397596, Orphanet 693661, MedGen C5907821, MONDO:0014222, OMIM 615513.

Allele frequency attached by ClinVar (database versions not stated): gnomAD exomes 0.00002; TOPMed 0.00002; gnomAD 0.00004; ExAC 0.00006.
gnomAD v4.1: 36 of 1,613,220 alleles (0.0022%); highest among the groups gnomAD compares: South Asian, 0.024%; 1 homozygote.

Submission:

Labcorp Genetics (formerly Invitae), Labcorp
Classification: Uncertain significance for Activated PI3K-delta syndrome. Last evaluated: 2025-09-13. Review status: criteria provided, single submitter. Criteria: Invitae Variant Classification Sherloc (09022015). Collection method: clinical testing. Allele origin: germline.
Comment: This sequence change replaces threonine, which is neutral and polar, with methionine, which is neutral and non-polar, at codon 456 of the PIK3CD protein (p.Thr456Met). This variant is present in population databases (rs751570218, gnomAD 0.03%). This variant has not been reported in the literature in individuals affected with PIK3CD-related conditions. ClinVar contains an entry for this variant (Variation ID: 2143993). Invitae Evidence Modeling of protein sequence and biophysical properties (such as structural, functional, and spatial information, amino acid conservation, physicochemical variation, residue mobility, and thermodynamic stability) indicates that this missense variant is not expected to disrupt PIK3CD protein function with a negative predictive value of 80%. In summary, the available evidence is currently insufficient to determine the role of this variant in disease. Therefore, it has been classified as a Variant of Uncertain Significance.